The following is an entry in ClinVar:

NM_012120.3(CD2AP):c.1108G>C (p.Asp370His)

Gene: CD2AP (CD2 associated protein; plus strand). Cytogenetic location: 6p12.3.
Variant type: single nucleotide variant.
Coding change: c.1108G>C on transcript NM_012120.3 (MANE Select); coding-DNA position 1108, G replaced by C.
Protein change: p.Asp370His; replaces aspartic acid 370 with histidine.
Molecular consequence: missense variant.
Genome position (GRCh38, 1-based): chr6:47,582,065, G>C. VCF-style: chr6-47582065-G-C. GRCh37 (hg19) VCF-style: chr6-47549801-G-C.
Other names: short protein forms D370H.
Identifiers: ClinVar variation 3691013 (VCV003691013.2).

ClinVar aggregate classification (germline): Uncertain significance (1 of 4 stars; one submission).

Submission:

Labcorp Genetics (formerly Invitae), Labcorp
Classification: Uncertain significance. Last evaluated: 2024-03-16. Review status: criteria provided, single submitter. Criteria: Invitae Variant Classification Sherloc (09022015). Collection method: clinical testing. Allele origin: germline.
Comment: This sequence change replaces aspartic acid, which is acidic and polar, with histidine, which is basic and polar, at codon 370 of the CD2AP protein (p.Asp370His). This variant also falls at the last nucleotide of exon 11, which is part of the consensus splice site for this exon. This variant is not present in population databases (gnomAD no frequency). This variant has not been reported in the literature in individuals affected with CD2AP-related conditions. An algorithm developed to predict the effect of missense changes on protein structure and function (PolyPhen-2) suggests that this variant is likely to be disruptive. Variants that disrupt the consensus splice site are a relatively common cause of aberrant splicing (PMID: 17576681, 9536098). Algorithms developed to predict the effect of sequence changes on RNA splicing suggest that this variant may disrupt the consensus splice site. In summary, the available evidence is currently insufficient to determine the role of this variant in disease. Therefore, it has been classified as a Variant of Uncertain Significance.

Literature cited by the submitters: PubMed 17576681; PubMed 9536098.